The following is an entry in ClinVar:

NM_005654.6(NR2F1):c.292T>C (p.Tyr98His)

Genes: NR2F1-AS1 (NR2F1 regulatory antisense RNA 1; minus strand), NR2F1 (nuclear receptor subfamily 2 group F member 1; plus strand). Cytogenetic location: 5q15.
Variant type: single nucleotide variant.
Coding change: c.292T>C on transcript NM_005654.6 (MANE Select); coding-DNA position 292, T replaced by C.
Protein change: p.Tyr98His; replaces tyrosine 98 with histidine.
Molecular consequence: missense variant.
Genome position (GRCh38, 1-based): chr5:93,585,315, T>C. VCF-style: chr5-93585315-T-C. GRCh37 (hg19) VCF-style: chr5-92921021-T-C.
Other names: short protein forms Y98H.
Identifiers: ClinVar variation 1308649 (VCV001308649.2), dbSNP rs2149941592, ClinGen allele CA360525946.
Genomic context (GRCh38, chr5:93,585,315, plus strand): 5'-GGCCAGAGCCAGCAGCACATCGAGTGCGTGGTGTGCGGGGACAAGTCGAGCGGCAAGCAC[T>C]ACGGCCAATTCACCTGCGAGGGCTGCAAAAGTTTCTTCAAGAGGAGCGTCCGCAGGAACT-3'
Protein context (NP_005645.1, residues 88-108): VCGDKSSGKH[Tyr98His]GQFTCEGCKS

ClinVar aggregate classification (germline): Likely pathogenic. Review status: criteria provided, single submitter (1 of 4 stars). 2 submissions from 2 submitters: Likely pathogenic (1). 1 of the submissions does not count toward it. Last evaluated 2026-02-04.

Conditions:
Bosch-Boonstra-Schaaf optic atrophy syndrome (BBSOAS). Also called: NR2F1-Related Neurodevelopmental Disorder. Identifiers: Orphanet 401777, MedGen C3810363, MONDO:0014320, OMIM 615722.

Submissions (2):

Institute of Human Genetics, University of Leipzig Medical Center
Classification: Likely pathogenic for Bosch-Boonstra-Schaaf optic atrophy syndrome. Last evaluated: 2026-02-04. Review status: criteria provided, single submitter. Criteria: ACMG Guidelines, 2015. Collection method: clinical testing. Allele origin: unknown. Inheritance: Autosomal dominant inheritance. Affected: yes.
Comment: Criteria applied: PM1,PM2,PM5,PP2,PP3

Equipe Genetique des Anomalies du Developpement, Université de Bourgogne
Classification: Pathogenic for Bosch-Boonstra-Schaaf optic atrophy syndrome. Last evaluated: 2021-10-29. Review status: no assertion criteria provided. Criteria: ACMG Guidelines, 2026. Collection method: clinical testing. Allele origin: de novo. Affected: yes. Not counted in ClinVar's aggregate classification.